The following is an entry in ClinVar:

ClinVar aggregate classification (germline): Likely benign (1 of 4 stars; one submission).

Conditions:
PFKL-related disorder. Also called: PFKL-related condition.

gnomAD v4.1: 66 of 1,361,340 alleles (0.0048%); highest among the groups gnomAD compares: East Asian, 0.25%; no homozygotes.

Submission:

PreventionGenetics, part of Exact Sciences
Classification: Likely benign for PFKL-related condition. Last evaluated: 2025-03-05. Review status: criteria provided, single submitter. Criteria: ACMG Guidelines, 2015. Collection method: clinical testing. Allele origin: germline.
Comment: This variant is classified as likely benign based on ACMG/AMP sequence variant interpretation guidelines (Richards et al. 2015 PMID: 25741868, with internal and published modifications).

NM_002626.6(PFKL):c.86-751T>C

Gene: PFKL (phosphofructokinase, liver type; plus strand). Cytogenetic location: 21q22.3.
Variant type: single nucleotide variant.
Coding change: c.86-751T>C on transcript NM_002626.6 (MANE Select); 751 bases into the intron before coding-DNA position 86, T replaced by C.
Molecular consequence: intron variant. On other transcripts: missense variant (1).
Genome position (GRCh38, 1-based): chr21:44,305,930, T>C. VCF-style: chr21-44305930-T-C. GRCh37 (hg19) VCF-style: chr21-45725813-T-C.
Other names: c.230T>C, p.Leu77Pro (NM_001002021.3); short protein forms L77P.
Identifiers: ClinVar variation 4979776 (VCV004979776.1).